The following is an entry in ClinVar:

ClinVar aggregate classification (germline): Uncertain significance (1 of 4 stars; one submission).

Conditions:
Primary ciliary dyskinesia. Also called: Ciliary dyskinesia. Identifiers: Orphanet 244, MedGen C0008780, MONDO:0016575, HP:0012265.

Allele frequency attached by ClinVar (database versions not stated): ExAC 0.00001; TOPMed 0.00002; gnomAD 0.00005.
gnomAD v4.1: 7 of 1,612,892 alleles (0.00043%); highest among the groups gnomAD compares: African/African-American, 0.0094%; no homozygotes.

Submission:

Labcorp Genetics (formerly Invitae), Labcorp
Classification: Uncertain significance for Primary ciliary dyskinesia. Last evaluated: 2022-09-12. Review status: criteria provided, single submitter. Criteria: Invitae Variant Classification Sherloc (09022015). Collection method: clinical testing. Allele origin: germline.
Comment: In summary, the available evidence is currently insufficient to determine the role of this variant in disease. Therefore, it has been classified as a Variant of Uncertain Significance. Advanced modeling of protein sequence and biophysical properties (such as structural, functional, and spatial information, amino acid conservation, physicochemical variation, residue mobility, and thermodynamic stability) performed at Invitae indicates that this missense variant is not expected to disrupt DNAH11 protein function. This variant has not been reported in the literature in individuals affected with DNAH11-related conditions. This variant is present in population databases (rs771944678, gnomAD 0.008%). This sequence change replaces valine, which is neutral and non-polar, with leucine, which is neutral and non-polar, at codon 4159 of the DNAH11 protein (p.Val4159Leu).

NM_001277115.2(DNAH11):c.12475G>C (p.Val4159Leu)

Gene: DNAH11 (dynein axonemal heavy chain 11; plus strand). Cytogenetic location: 7p15.3.
Variant type: single nucleotide variant.
Coding change: c.12475G>C on transcript NM_001277115.2 (MANE Select); coding-DNA position 12475, G replaced by C.
Protein change: p.Val4159Leu; replaces valine 4159 with leucine.
Molecular consequence: missense variant.
Genome position (GRCh38, 1-based): chr7:21,884,378, G>C. VCF-style: chr7-21884378-G-C. GRCh37 (hg19) VCF-style: chr7-21923996-G-C.
Other names: c.12496G>C, p.Val4166Leu (NM_003777.3); short protein forms V4159L, V4166L.
Identifiers: ClinVar variation 2189460 (VCV002189460.2), dbSNP rs771944678, ClinGen allele CA4183089.